The following is an entry in ClinVar:

ClinVar aggregate classification (germline): Conflicting classifications of pathogenicity. Review status: criteria provided, conflicting classifications (1 of 4 stars). 8 submissions from 8 submitters: Uncertain significance (1); Benign (1); Likely benign (6). Last evaluated 2025-12-08.

Conditions:
Connective tissue disorder. Also called: Connective tissue disease. Identifiers: MedGen C0009782, MONDO:0003900.
Familial thoracic aortic aneurysm and aortic dissection (TAAD). Also called: Thoracic aortic aneurysms and dissections. Identifiers: Orphanet 91387, MedGen C4707243, MONDO:0019625.
Aortic aneurysm, familial thoracic 4 (AAT4). Also called: AORTIC ANEURYSM/AORTIC DISSECTION AND PATENT DUCTUS ARTERIOSUS. Identifiers: MedGen C1851504, MONDO:0007568, OMIM 132900.

Allele frequency attached by ClinVar (database versions not stated): ESP Exome Variant Server 0.00015; gnomAD 0.00020 and 0.00021; gnomAD exomes 0.00021 and 0.00036; TOPMed 0.00024; ExAC 0.00030; 1000 Genomes Project 30x 0.00062; 1000 Genomes Project 0.00080.
gnomAD v4.1: 360 of 1,601,648 alleles (0.022%); highest among the groups gnomAD compares: Middle Eastern, 0.32%; 1 homozygote.

Submissions (8):

Labcorp Genetics (formerly Invitae), Labcorp
Classification: Benign for Aortic aneurysm, familial thoracic 4. Last evaluated: 2025-12-08. Review status: criteria provided, single submitter. Criteria: Invitae Variant Classification Sherloc (09022015). Collection method: clinical testing. Allele origin: germline.

Blueprint Genetics
Classification: Likely benign. Last evaluated: 2024-08-07. Review status: criteria provided, single submitter. Criteria: ACMG Guidelines, 2015. Collection method: clinical testing. Allele origin: germline.

All of Us Research Program, National Institutes of Health
Classification: Likely benign for Familial thoracic aortic aneurysm and aortic dissection. Last evaluated: 2024-02-05. Review status: criteria provided, single submitter. Criteria: ACMG Guidelines, 2015. Collection method: clinical testing. Allele origin: germline. Inheritance: Autosomal dominant inheritance. Observed: 84 variant alleles, 84 heterozygotes.
Comment: This study involves interpretation of variants in research participants for the purpose of population health screening. Participant phenotype was not available at the time of variant classification. Additional details can be found in publication PMID: 35346344, PMCID: PMC8962531

GeneDx
Classification: Likely benign. Last evaluated: 2020-07-06. Review status: criteria provided, single submitter. Criteria: GeneDx Variant Classification Process June 2021. Collection method: clinical testing. Allele origin: germline. Affected: yes.

Color Diagnostics, LLC DBA Color Health
Classification: Likely benign for Familial thoracic aortic aneurysm and aortic dissection. Last evaluated: 2018-06-04. Review status: criteria provided, single submitter. Criteria: ACMG Guidelines, 2015. Collection method: clinical testing. Allele origin: germline.

Center for Human Genetics, Inc
Classification: Likely benign for Connective tissue disorder. Last evaluated: 2018-06-01. Review status: criteria provided, single submitter. Criteria: ACMG Guidelines, 2015. Collection method: clinical testing. Allele origin: germline. Affected: yes.

Illumina Laboratory Services, Illumina
Classification: Uncertain significance for Aortic aneurysm, familial thoracic 4. Last evaluated: 2018-01-12. Review status: criteria provided, single submitter. Criteria: ICSL Variant Classification Criteria 13 December 2019. Collection method: clinical testing. Allele origin: germline.

PreventionGenetics, part of Exact Sciences
Classification: Likely benign. Review status: criteria provided, single submitter. Criteria: ACMG Guidelines, 2015. Collection method: clinical testing. Allele origin: germline.

NM_002474.3(MYH11):c.1034-12T>G

Gene: MYH11 (myosin heavy chain 11; minus strand). Cytogenetic location: 16p13.11.
Variant type: single nucleotide variant.
Coding change: c.1034-12T>G on transcript NM_002474.3 (MANE Select); 12 bases into the intron before coding-DNA position 1034, T replaced by G.
Molecular consequence: intron variant.
Genome position (GRCh38, 1-based): chr16:15,763,903, A>C on the plus strand (T>G on the coding strand, the complement: MYH11 is on the minus strand). VCF-style: chr16-15763903-A-C. GRCh37 (hg19) VCF-style: chr16-15857760-A-C.
Other names: c.1034-12T>G (NM_022844.3); c.1055-12T>G (NM_001040114.2, NM_001040113.2).
Identifiers: ClinVar variation 201049 (VCV000201049.18), dbSNP rs184847335, ClinGen allele CA306493.